The following is an entry in ClinVar:

ClinVar aggregate classification (germline): Uncertain significance. Review status: criteria provided, multiple submitters, no conflicts (2 of 4 stars). 2 submissions from 2 submitters: Uncertain significance (2). Last evaluated 2025-08-05.

Conditions:
Cardiovascular phenotype. Identifiers: MedGen CN230736.
Duchenne muscular dystrophy (DMD). Also called: MUSCULAR DYSTROPHY, PSEUDOHYPERTROPHIC PROGRESSIVE, DUCHENNE TYPE; Duchenne Muscular Dystrophy (DMD). Identifiers: Orphanet 98896, MedGen C0013264, MONDO:0010679, OMIM 310200.

Allele frequency attached by ClinVar (database versions not stated): TOPMed below 0.00001.

Submissions (2):

Labcorp Genetics (formerly Invitae), Labcorp
Classification: Uncertain significance for Duchenne muscular dystrophy. Last evaluated: 2025-08-05. Review status: criteria provided, single submitter. Criteria: Invitae Variant Classification Sherloc (09022015). Collection method: clinical testing. Allele origin: germline.
Comment: This sequence change replaces tryptophan, which is neutral and slightly polar, with leucine, which is neutral and non-polar, at codon 1351 of the DMD protein (p.Trp1351Leu). This variant is not present in population databases (gnomAD no frequency). This variant has not been reported in the literature in individuals affected with DMD-related conditions. ClinVar contains an entry for this variant (Variation ID: 1737381). Invitae Evidence Modeling of protein sequence and biophysical properties (such as structural, functional, and spatial information, amino acid conservation, physicochemical variation, residue mobility, and thermodynamic stability) indicates that this missense variant is not expected to disrupt DMD protein function with a negative predictive value of 95%. In summary, the available evidence is currently insufficient to determine the role of this variant in disease. Therefore, it has been classified as a Variant of Uncertain Significance.

Ambry Genetics
Classification: Uncertain significance for Cardiovascular phenotype. Last evaluated: 2022-02-02. Review status: criteria provided, single submitter. Criteria: Ambry Variant Classification Scheme 2023. Collection method: clinical testing. Allele origin: germline.
Comment: The p.W1351L variant (also known as c.4052G>T), located in coding exon 29 of the DMD gene, results from a G to T substitution at nucleotide position 4052. The tryptophan at codon 1351 is replaced by leucine, an amino acid with similar properties. This amino acid position is well conserved in available vertebrate species. In addition, the in silico prediction for this alteration is inconclusive. Since supporting evidence is limited at this time, the clinical significance of this alteration remains unclear.

NM_004006.3(DMD):c.4052G>T (p.Trp1351Leu)

Gene: DMD (dystrophin; minus strand). Cytogenetic location: Xp21.1.
Variant type: single nucleotide variant.
Coding change: c.4052G>T on transcript NM_004006.3 (MANE Select); coding-DNA position 4052, G replaced by T.
Protein change: p.Trp1351Leu; replaces tryptophan 1351 with leucine.
Molecular consequence: missense variant.
Genome position (GRCh38, 1-based): chrX:32,438,260, C>A on the plus strand (G>T on the coding strand, the complement: DMD is on the minus strand). VCF-style: chrX-32438260-C-A. GRCh37 (hg19) VCF-style: chrX-32456377-C-A.
Other names: c.4028G>T, p.Trp1343Leu (NM_000109.4); c.4040G>T, p.Trp1347Leu (NM_004009.3); c.3683G>T, p.Trp1228Leu (NM_004010.3); short protein forms W1228L, W1347L, W1351L, W1343L.
Identifiers: ClinVar variation 1737381 (VCV001737381.5), dbSNP rs2098269027, ClinGen allele CA412669240.